The following is an entry in ClinVar:

ClinVar aggregate classification (germline): Uncertain significance (1 of 4 stars; one submission).

Conditions:
Hajdu-Cheney syndrome (HJCYS). Also called: SERPENTINE FIBULA-POLYCYSTIC KIDNEY SYNDROME; Acroosteolysis dominant type; ACROOSTEOLYSIS WITH OSTEOPOROSIS AND CHANGES IN SKULL AND MANDIBLE. Identifiers: Orphanet 955, MedGen C0917715, MONDO:0007057, OMIM 102500.

Allele frequency attached by ClinVar (database versions not stated): gnomAD exomes 0.00001; ExAC 0.00002.
gnomAD v4.1: 4 of 1,614,164 alleles (0.00025%); highest among the groups gnomAD compares: Admixed American, 0.0067%; no homozygotes.

Submission:

Labcorp Genetics (formerly Invitae), Labcorp
Classification: Uncertain significance for Hajdu-Cheney syndrome. Last evaluated: 2025-12-03. Review status: criteria provided, single submitter. Criteria: Invitae Variant Classification Sherloc (09022015). Collection method: clinical testing. Allele origin: germline.
Comment: This sequence change replaces tryptophan, which is neutral and slightly polar, with leucine, which is neutral and non-polar, at codon 865 of the NOTCH2 protein (p.Trp865Leu). This variant is present in population databases (rs782762412, gnomAD 0.009%). This variant has not been reported in the literature in individuals affected with NOTCH2-related conditions. ClinVar contains an entry for this variant (Variation ID: 2909459). Invitae Evidence Modeling of protein sequence and biophysical properties (such as structural, functional, and spatial information, amino acid conservation, physicochemical variation, residue mobility, and thermodynamic stability) indicates that this missense variant is not expected to disrupt NOTCH2 protein function with a negative predictive value of 80%. In summary, the available evidence is currently insufficient to determine the role of this variant in disease. Therefore, it has been classified as a Variant of Uncertain Significance.

NM_024408.4(NOTCH2):c.2594G>T (p.Trp865Leu)

Gene: NOTCH2 (notch receptor 2; minus strand). Cytogenetic location: 1p12.
Variant type: single nucleotide variant.
Coding change: c.2594G>T on transcript NM_024408.4 (MANE Select); coding-DNA position 2594, G replaced by T.
Protein change: p.Trp865Leu; replaces tryptophan 865 with leucine.
Molecular consequence: missense variant.
Genome position (GRCh38, 1-based): chr1:119,949,012, C>A on the plus strand (G>T on the coding strand, the complement: NOTCH2 is on the minus strand). VCF-style: chr1-119949012-C-A. GRCh37 (hg19) VCF-style: chr1-120491635-C-A.
Other names: c.2594G>T, p.Trp865Leu (NM_001200001.2); short protein forms W865L.
Identifiers: ClinVar variation 2909459 (VCV002909459.3), dbSNP rs782762412, ClinGen allele CA1040249.